The following is an entry in ClinVar:

NM_014846.4(WASHC5):c.1610C>T (p.Thr537Ile)

Gene: WASHC5 (WASH complex subunit 5; minus strand). Cytogenetic location: 8q24.13.
Variant type: single nucleotide variant.
Coding change: c.1610C>T on transcript NM_014846.4 (MANE Select); coding-DNA position 1610, C replaced by T.
Protein change: p.Thr537Ile; replaces threonine 537 with isoleucine.
Molecular consequence: missense variant.
Genome position (GRCh38, 1-based): chr8:125,059,454, G>A on the plus strand (C>T on the coding strand, the complement: WASHC5 is on the minus strand). VCF-style: chr8-125059454-G-A. GRCh37 (hg19) VCF-style: chr8-126071696-G-A.
Other names: c.1166C>T, p.Thr389Ile (NM_001330609.2); short protein forms T389I, T537I.
Identifiers: ClinVar variation 2572832 (VCV002572832.1), dbSNP rs2537342236, ClinGen allele CA372192189.

ClinVar aggregate classification (germline): Uncertain significance (1 of 4 stars; one submission).

Submission:

GeneDx
Classification: Uncertain significance. Last evaluated: 2023-01-11. Review status: criteria provided, single submitter. Criteria: GeneDx Variant Classification Process June 2021. Collection method: clinical testing. Allele origin: germline. Affected: yes.
Comment: Not observed at significant frequency in large population cohorts (gnomAD); In silico analysis supports that this missense variant has a deleterious effect on protein structure/function; Has not been previously published as pathogenic or benign to our knowledge